The following is an entry in ClinVar:

NM_001130144.3(LTBP3):c.1655G>A (p.Arg552His)

Gene: LTBP3 (latent transforming growth factor beta binding protein 3; minus strand). Cytogenetic location: 11q13.1.
Variant type: single nucleotide variant.
Coding change: c.1655G>A on transcript NM_001130144.3 (MANE Select); coding-DNA position 1655, G replaced by A.
Protein change: p.Arg552His; replaces arginine 552 with histidine.
Molecular consequence: missense variant.
Genome position (GRCh38, 1-based): chr11:65,551,191, C>T on the plus strand (G>A on the coding strand, the complement: LTBP3 is on the minus strand). VCF-style: chr11-65551191-C-T. GRCh37 (hg19) VCF-style: chr11-65318662-C-T.
Other names: c.1304G>A, p.Arg435His (NM_001164266.1); c.1655G>A, p.Arg552His (NM_021070.4); short protein forms R435H, R552H.
Identifiers: ClinVar variation 1777336 (VCV001777336.7), dbSNP rs945572713, ClinGen allele CA223968482.

ClinVar aggregate classification (germline): Uncertain significance. Review status: criteria provided, multiple submitters, no conflicts (2 of 4 stars). 2 submissions from 2 submitters: Uncertain significance (2). Last evaluated 2025-01-21.

Conditions:
Inborn genetic diseases. Identifiers: MedGen C0950123, MeSH D030342.
Brachyolmia-amelogenesis imperfecta syndrome. Also called: PLATYSPONDYLY WITH AMELOGENESIS IMPERFECTA; Tooth agenesis, selective, 6; Dental anomalies and short stature. Identifiers: Orphanet 2899, MedGen C1832594, MONDO:0011018, OMIM 601216. Disease mechanism: loss of function.

Allele frequency attached by ClinVar (database versions not stated): gnomAD exomes below 0.00001; TOPMed below 0.00001.
gnomAD v4.1: 5 of 1,551,156 alleles (0.00032%); highest among the groups gnomAD compares: South Asian, 0.0036%; no homozygotes.

Submissions (2):

Labcorp Genetics (formerly Invitae), Labcorp
Classification: Uncertain significance for Brachyolmia-amelogenesis imperfecta syndrome. Last evaluated: 2025-01-21. Review status: criteria provided, single submitter. Criteria: Invitae Variant Classification Sherloc (09022015). Collection method: clinical testing. Allele origin: germline.
Comment: This sequence change replaces arginine, which is basic and polar, with histidine, which is basic and polar, at codon 552 of the LTBP3 protein (p.Arg552His). The frequency data for this variant in the population databases is considered unreliable, as metrics indicate poor data quality at this position in the gnomAD database. This variant has not been reported in the literature in individuals affected with LTBP3-related conditions. ClinVar contains an entry for this variant (Variation ID: 1777336). An algorithm developed to predict the effect of missense changes on protein structure and function outputs the following: PolyPhen-2: "Benign". The histidine amino acid residue is found in multiple mammalian species, which suggests that this missense change does not adversely affect protein function. In summary, the available evidence is currently insufficient to determine the role of this variant in disease. Therefore, it has been classified as a Variant of Uncertain Significance.

Ambry Genetics
Classification: Uncertain significance for Inborn genetic diseases. Last evaluated: 2021-06-14. Review status: criteria provided, single submitter. Criteria: Ambry Variant Classification Scheme 2023. Collection method: clinical testing. Allele origin: germline.
Comment: The p.R552H variant (also known as c.1655G>A), located in coding exon 11 of the LTBP3 gene, results from a G to A substitution at nucleotide position 1655. The arginine at codon 552 is replaced by histidine, an amino acid with highly similar properties. This amino acid position is conserved. In addition, this alteration is predicted to be tolerated by in silico analysis. Since supporting evidence is limited at this time, the clinical significance of this alteration remains unclear.